The following is an entry in ClinVar:

ClinVar aggregate classification (germline): Pathogenic. Review status: criteria provided, multiple submitters, no conflicts (2 of 4 stars). 2 submissions from 2 submitters: Pathogenic (2). Last evaluated 2019-06-07.

Conditions:
Bilateral frontoparietal polymicrogyria. Also called: CORTICAL DYSPLASIA, COMPLEX, WITH OTHER BRAIN MALFORMATIONS 14A (BILATERAL FRONTOPARIETAL); CEREBELLAR ATAXIA WITH NEURONAL MIGRATION DEFECT. Identifiers: Orphanet 101070, MedGen C1847352, MONDO:0011738, OMIM 606854.

Submissions (2):

Labcorp Genetics (formerly Invitae), Labcorp
Classification: Pathogenic. Last evaluated: 2019-06-07. Review status: criteria provided, single submitter. Criteria: Invitae Variant Classification Sherloc (09022015). Collection method: clinical testing. Allele origin: germline.
Comment: This variant has been observed in an individual affected with bilateral frontoparietal polymicrogyria (PMID: 20929962). ClinVar contains an entry for this variant (Variation ID: 211093). This variant is not present in population databases (ExAC no frequency). This sequence change creates a premature translational stop signal (p.Leu406Serfs*42) in the ADGRG1 gene. It is expected to result in an absent or disrupted protein product. Loss-of-function variants in ADGRG1 are known to be pathogenic (PMID: 15044805, 20929962). For these reasons, this variant has been classified as Pathogenic.

Genetic Services Laboratory, University of Chicago
Classification: Pathogenic for Polymicrogyria, bilateral frontoparietal. Last evaluated: 2013-02-08. Review status: criteria provided, single submitter. Criteria: ACMG Guidelines, 2007. Collection method: clinical testing. Allele origin: germline. Affected: yes.

Literature cited by the submitters: PubMed 20929962 (cited by Labcorp Genetics (formerly Invitae), Labcorp); PubMed 15044805 (cited by Labcorp Genetics (formerly Invitae), Labcorp).

NM_201525.4(ADGRG1):c.1216del (p.Leu406fs)

Gene: ADGRG1 (adhesion G protein-coupled receptor G1; plus strand). Cytogenetic location: 16q21.
Variant type: Deletion.
Coding change: c.1216del on transcript NM_201525.4 (MANE Select); coding-DNA position 1216, one base deleted (C; older notation c.1216delC).
Protein change: p.Leu406fs; shifts the reading frame from leucine 406.
Molecular consequence: frameshift variant.
Genome position (GRCh38, 1-based): chr16:57,657,421, C deleted; the last of 2 consecutive C bases (chr16:57,657,420-57,657,421); deleting either gives the same sequence. VCF-style (leftmost placement, unchanged base first): chr16-57657419-TC-T. GRCh37 (hg19) VCF-style: chr16-57691331-TC-T.
Other names: c.1216del, p.Leu406fs (NM_001145770.3, NM_001145771.3, NM_001145772.3 and 14 more transcripts); c.1231del, p.Leu411fs (NM_001145773.3, NM_001370433.1); c.706del, p.Leu236fs (NM_001290142.2); c.691del, p.Leu231fs (NM_001290143.2, NM_001290144.2, NM_001370451.1 and 2 more transcripts); c.1213del, p.Leu405fs (NM_001370434.1, NM_001370441.1); c.1060del, p.Leu354fs (NM_001370442.1); short protein forms L231fs, L354fs, L411fs, L236fs, L405fs, L406fs.
Identifiers: ClinVar variation 211093 (VCV000211093.15), dbSNP rs797045600, ClinGen allele CA277316.